The following is an entry in ClinVar:

NM_001876.4(CPT1A):c.1568C>G (p.Pro523Arg)

Gene: CPT1A (carnitine palmitoyltransferase 1A; minus strand). Cytogenetic location: 11q13.3.
Variant type: single nucleotide variant.
Coding change: c.1568C>G on transcript NM_001876.4 (MANE Select); coding-DNA position 1568, C replaced by G.
Protein change: p.Pro523Arg; replaces proline 523 with arginine.
Molecular consequence: missense variant.
Genome position (GRCh38, 1-based): chr11:68,775,323, G>C on the plus strand (C>G on the coding strand, the complement: CPT1A is on the minus strand). VCF-style: chr11-68775323-G-C. GRCh37 (hg19) VCF-style: chr11-68542791-G-C.
Other names: c.1568C>G, p.Pro523Arg (NM_001031847.3); short protein forms P523R.
Identifiers: ClinVar variation 2199944 (VCV002199944.2), dbSNP rs758459084, ClinGen allele CA6152275.

ClinVar aggregate classification (germline): Uncertain significance (1 of 4 stars; one submission).

Conditions:
Carnitine palmitoyl transferase 1A deficiency. Also called: Carnitine palmitoyltransferase type I deficiency; CPT I DEFICIENCY; CPT DEFICIENCY, HEPATIC, TYPE I; Carnitine palmitoyltransferase 1A deficiency; CPT deficiency, hepatic, type IA. Identifiers: Orphanet 156, MedGen C1829703, MONDO:0009705, OMIM 255120.

Allele frequency attached by ClinVar (database versions not stated): TOPMed below 0.00001; gnomAD 0.00001.
gnomAD v4.1: 3 of 1,612,276 alleles (0.00019%); highest among the groups gnomAD compares: Non-Finnish European, 0.00025%; no homozygotes.

Submission:

Labcorp Genetics (formerly Invitae), Labcorp
Classification: Uncertain significance for Carnitine palmitoyl transferase 1A deficiency. Last evaluated: 2025-08-18. Review status: criteria provided, single submitter. Criteria: Invitae Variant Classification Sherloc (09022015). Collection method: clinical testing. Allele origin: germline.
Comment: This sequence change replaces proline, which is neutral and non-polar, with arginine, which is basic and polar, at codon 523 of the CPT1A protein (p.Pro523Arg). This variant is present in population databases (rs758459084, gnomAD 0.0009%). This variant has not been reported in the literature in individuals affected with CPT1A-related conditions. ClinVar contains an entry for this variant (Variation ID: 2199944). Invitae Evidence Modeling of protein sequence and biophysical properties (such as structural, functional, and spatial information, amino acid conservation, physicochemical variation, residue mobility, and thermodynamic stability) has been performed for this missense variant. However, the output from this modeling did not meet the statistical confidence thresholds required to predict the impact of this variant on CPT1A protein function. In summary, the available evidence is currently insufficient to determine the role of this variant in disease. Therefore, it has been classified as a Variant of Uncertain Significance.